The following is an entry in ClinVar:

NM_000179.3(MSH6):c.3119_3120del (p.Asn1039_Phe1040insTer)

Gene: MSH6 (mutS homolog 6; plus strand). Cytogenetic location: 2p16.3.
Variant type: Deletion.
Coding change: c.3119_3120del on transcript NM_000179.3 (MANE Select); coding-DNA positions 3119 to 3120, 2 bases deleted (TT; older notation c.3119_3120delTT).
Protein change: p.Asn1039_Phe1040insTer.
Molecular consequence: nonsense.
Genome position (GRCh38, 1-based): chr2:47,801,102-47,801,103, TT deleted; deleting any 2 consecutive bases within chr2:47,801,101-47,801,103 gives the same sequence; the c. name uses the placement nearest the transcript's 3' end. VCF-style (leftmost placement, unchanged base first): chr2-47801100-CTT-C. GRCh37 (hg19) VCF-style: chr2-48028239-CTT-C.
Other names: c.3119_3120delTT (NM_000179.2); c.2729_2730del, p.Asn909_Phe910insTer (NM_001281492.2); c.2213_2214del, p.Asn737_Phe738insTer (NM_001281493.2, NM_001281494.2).
Identifiers: ClinVar variation 89339 (VCV000089339.68), dbSNP rs267608042, ClinGen allele CA011602.

ClinVar aggregate classification (germline): Pathogenic. Review status: reviewed by expert panel (3 of 4 stars). 16 submissions from 16 submitters: Pathogenic (1). 15 of the submissions do not count toward it. Last evaluated 2013-09-05.

Conditions:
Hereditary nonpolyposis colorectal neoplasms. Identifiers: MedGen C0009405, MeSH D003123.
Mismatch repair cancer syndrome 3. Identifiers: MedGen C5436807, MONDO:0030841, OMIM 619097.
Endometrial carcinoma. Also called: Endometrial carcinoma, somatic. Identifiers: MedGen C0476089, MONDO:0002447, OMIM 608089, HP:0012114.
Lynch syndrome 5 (LYNCH5). Also called: Colorectal cancer, hereditary nonpolyposis, type 5; Hereditary non-polyposis colorectal cancer, type 5. Identifiers: Orphanet 144, MedGen C1833477, MONDO:0013710, OMIM 614350. Disease mechanism: loss of function.
Hereditary nonpolyposis colon cancer (HNPCC). Also called: Hereditary nonpolyposis colorectal cancer; Familial nonpolyposis colon cancer; Hereditary Nonpolyposis Colorectal Cancer Syndrome. Identifiers: Orphanet 443909, MedGen C1333990, MONDO:0018630. Disease mechanism: loss of function.
Hereditary cancer-predisposing syndrome. Also called: Neoplastic Syndromes, Hereditary; Tumor predisposition; Hereditary Cancer Syndrome; Hereditary neoplastic syndrome. Identifiers: Orphanet 140162, MedGen C0027672, MeSH D009386, MONDO:0015356.
Lynch syndrome. Identifiers: Orphanet 144, MedGen C4552100, MONDO:0005835. Disease mechanism: loss of function.

Submissions 1 to 11 of 16:

International Society for Gastrointestinal Hereditary Tumours (InSiGHT)
Classification: Pathogenic for Lynch Syndrome. Last evaluated: 2013-09-05. Review status: reviewed by expert panel. Criteria: Guidelines v1.9. Collection method: research. Allele origin: germline.
Comment: Coding sequence variation resulting in a stop codon

Classified with v1.9 guidelines

GeneDx
Classification: Pathogenic. Last evaluated: 2026-07-22. Review status: criteria provided, single submitter. Criteria: GeneDx Variant Classification Process June 2021. Collection method: clinical testing. Allele origin: germline. Not counted in ClinVar's aggregate classification.
Comment: Observed in patients with Lynch-related cancers and tumor studies consistent with pathogenic variants in this gene (PMID: 17718861, 25782445, 28874130, 28449805); Nonsense variant predicted to result in protein truncation or nonsense mediated decay in a gene for which loss of function is a known mechanism of disease; Truncating variants in this gene are considered pathogenic by a well-established clinical consortium and/or database; Not observed at significant frequency in large population cohorts (gnomAD); This variant is associated with the following publications: (PMID: 29922827, 28449805, 17718861, 25782445, 31297337, 28874130, 30787465, 35273153, 17531815, 21120944, 12019211)

Labcorp Genetics (formerly Invitae), Labcorp
Classification: Pathogenic for Hereditary nonpolyposis colorectal neoplasms. Last evaluated: 2025-12-20. Review status: criteria provided, single submitter. Criteria: Invitae Variant Classification Sherloc (09022015). Collection method: clinical testing. Allele origin: germline. Not counted in ClinVar's aggregate classification.
Comment: This sequence change creates a premature translational stop signal (p.Phe1040*) in the MSH6 gene. It is expected to result in an absent or disrupted protein product. Loss-of-function variants in MSH6 are known to be pathogenic (PMID: 18269114, 24362816). This variant is present in population databases (rs267608042, gnomAD 0.006%). This variant has not been reported in the literature in individuals affected with MSH6-related conditions. Invitae Evidence Modeling of clinical and family history, age, sex, and reported ancestry of multiple individuals with this MSH6 variant has been performed. This variant is expected to be pathogenic with a positive predictive value of at least 99%. This is a validated machine learning model that incorporates the clinical features of 1,627,235 individuals referred to our laboratory for MSH6 testing. ClinVar contains an entry for this variant (Variation ID: 89339). For these reasons, this variant has been classified as Pathogenic.

Dasa
Classification: Pathogenic. Last evaluated: 2025-11-10. Review status: criteria provided, single submitter. Criteria: DASA Assertion Criteria. Collection method: clinical testing. Allele origin: germline. Not counted in ClinVar's aggregate classification.
Comment: NM_000179.3(MSH6):c.3119_3120del (p.Phe1040*) is a frameshift variant in MSH6 predicted to alter the reading frame and introduce a premature termination codon and is predicted to result in an absent or altered protein product. Loss of function is an established disease mechanism for MSH6 (PMID: 9354786; PMID: 11709755; PMID: 14974087). Published studies describe this variant in association with related phenotype (PMID: 17718861). Also, this variant is rare in population databases. Based on the currently available evidence, this variant is classified as pathogenic.

Ambry Genetics
Classification: Pathogenic for Hereditary cancer-predisposing syndrome. Last evaluated: 2025-01-02. Review status: criteria provided, single submitter. Criteria: Ambry Variant Classification Scheme 2023. Collection method: clinical testing. Allele origin: germline. Not counted in ClinVar's aggregate classification.
Comment: The c.3119_3120delTT pathogenic mutation, located in coding exon 4 of the MSH6 gene, results from a deletion of two nucleotides at nucleotide positions 3119 to 3120, causing a translational frameshift with a predicted alternate stop codon (p.F1040*). This mutation has also been subsequently identified in several Hispanic individuals with Lynch syndrome (Cruz-Correa M et al. Fam. Cancer 2015 Sep;14:415-25; Sunga AY et al. Cancer Genet 2017 Apr;212-213:1-7; Rossi BM et al. BMC Cancer 2017 Sep;17:623). Of note, this alteration is also designated as p.Phe1040Ter, c.3119delTT, and p.Phe1040Terfs in published literature. In addition to the clinical data presented in the literature, this alteration is expected to result in loss of function by premature protein truncation or nonsense-mediated mRNA decay. As such, this alteration is interpreted as a disease-causing mutation.

All of Us Research Program, National Institutes of Health
Classification: Pathogenic for Lynch syndrome. Last evaluated: 2024-07-29. Review status: criteria provided, single submitter. Criteria: ACMG Guidelines, 2015. Collection method: clinical testing. Allele origin: germline. Inheritance: Autosomal dominant inheritance. Observed: 1 variant allele, 1 heterozygote. Not counted in ClinVar's aggregate classification.
Comment: This variant deletes 2 nucleotides in exon 4 of the MSH6 gene, creating a frameshift and premature translation stop signal. This variant is expected to result in an absent or non-functional protein product. This variant has been reported in individuals and families affected with Lynch syndrome (PMID: 17718861, 25782445, 28449805, 28874130). Tumor data from an affected individual demonstrated microsatellite instability and loss of MSH6 protein via immunohistochemistry (PMID: 17718861). This variant has been identified in 1/248958 chromosomes in the general population by the Genome Aggregation Database (gnomAD). Loss of MSH6 function is a known mechanism of disease. Based on the available evidence, this variant is classified as Pathogenic.

This study involves interpretation of variants in research participants for the purpose of population health screening. Participant phenotype was not available at the time of variant classification. Additional details can be found in publication PMID: 35346344, PMCID: PMC8962531

Color Diagnostics, LLC DBA Color Health
Classification: Pathogenic for Hereditary cancer-predisposing syndrome. Last evaluated: 2024-05-08. Review status: criteria provided, single submitter. Criteria: ACMG Guidelines, 2015. Collection method: clinical testing. Allele origin: germline. Not counted in ClinVar's aggregate classification.
Comment: This variant deletes 2 nucleotides in exon 4 of the MSH6 gene, creating a frameshift and premature translation stop signal. This variant is expected to result in an absent or non-functional protein product. This variant has been reported in individuals and families affected with Lynch syndrome (PMID: 17718861, 25782445, 28449805, 28874130). Tumor data from an affected individual demonstrated microsatellite instability and loss of MSH6 protein via immunohistochemistry (PMID: 17718861). This variant has been identified in 1/248958 chromosomes in the general population by the Genome Aggregation Database (gnomAD). Loss of MSH6 function is a known mechanism of disease. Based on the available evidence, this variant is classified as Pathogenic.

Myriad Genetics, Inc.
Classification: Pathogenic for Lynch syndrome 5. Last evaluated: 2023-08-22. Review status: criteria provided, single submitter. Criteria: Myriad Autosomal Dominant, Autosomal Recessive and X-Linked Classification Criteria (2023). Collection method: clinical testing. Allele origin: unknown. Not counted in ClinVar's aggregate classification.
Comment: This variant is considered pathogenic. This variant creates a termination codon and is predicted to result in premature protein truncation.

Institute of Human Genetics, University of Leipzig Medical Center
Classification: Pathogenic for Lynch syndrome 5. Last evaluated: 2023-03-03. Review status: criteria provided, single submitter. Criteria: ACMG Guidelines, 2015. Collection method: clinical testing. Allele origin: unknown. Affected: yes. Not counted in ClinVar's aggregate classification.
Comment: _x000D_ Criteria applied: PVS1, PS4_MOD, PM2_SUP

Institute for Clinical Genetics, University Hospital TU Dresden, University Hospital TU Dresden
Classification: Pathogenic. Last evaluated: 2021-11-03. Review status: criteria provided, single submitter. Criteria: ACMG Guidelines, 2015. Collection method: clinical testing. Allele origin: germline. Not counted in ClinVar's aggregate classification.

Baylor Genetics
Classification: Pathogenic for Endometrial carcinoma. Last evaluated: 2021-09-03. Review status: criteria provided, single submitter. Criteria: ACMG Guidelines, 2015. Collection method: clinical testing. Allele origin: unknown. Not counted in ClinVar's aggregate classification.